The following is an entry in ClinVar:

ClinVar aggregate classification (germline): Conflicting classifications of pathogenicity. Review status: criteria provided, conflicting classifications (1 of 4 stars). 12 submissions from 10 submitters: Likely pathogenic (1); Uncertain significance (9). 1 of the submissions does not count toward it. Last evaluated 2026-09-17.

Conditions:
Hypertrophic cardiomyopathy 4. Also called: Familial hypertrophic cardiomyopathy 4. Identifiers: MedGen C1861862, MONDO:0007268, OMIM 115197.
Left ventricular noncompaction 10 (LVNC10). Identifiers: Orphanet 154, Orphanet 54260, MedGen C3715165, MONDO:0014163, OMIM 615396.
Cardiomyopathy (CMYO). Also called: Cardiomyopathies. Identifiers: Orphanet 167848, MedGen C0878544, MONDO:0004994, HP:0001638. Inheritance: Various modes of inheritance.
Cardiovascular phenotype. Identifiers: MedGen CN230736.
Hypertrophic cardiomyopathy. Also called: HYPERTROPHIC MYOCARDIOPATHY. Identifiers: Orphanet 217569, MedGen C0007194, MeSH D002312, MONDO:0005045, HP:0001639.

Allele frequency attached by ClinVar (database versions not stated): gnomAD exomes 0.00003 and 0.00006; ExAC 0.00004; gnomAD 0.00009 and 0.00011; TOPMed 0.00012.
gnomAD v4.1: 65 of 1,613,442 alleles (0.004%); highest among the groups gnomAD compares: Admixed American, 0.032%; no homozygotes.

Submissions (11):

GeneDx
Classification: Uncertain significance. Last evaluated: 2026-09-17. Review status: criteria provided, single submitter. Criteria: GeneDx Variant Classification Process June 2021. Collection method: clinical testing. Allele origin: germline.
Comment: Identified in a patient with HCM, a patient with sudden unexplained death (SUD), in a patient from the Jackson Heart Study cohort (PMID: 32917565, 19150014, 22958901); In silico analysis supports that this missense variant has a deleterious effect on protein structure/function; This variant is associated with the following publications: (PMID: 22958901, 22765922, 20594303, 33919104, 34426522, 32917565, 28356264, 19150014, 35885957)

Labcorp Genetics (formerly Invitae), Labcorp
Classification: Uncertain significance for Hypertrophic cardiomyopathy. Last evaluated: 2026-02-04. Review status: criteria provided, single submitter. Criteria: Invitae Variant Classification Sherloc (09022015). Collection method: clinical testing. Allele origin: germline.
Comment: This sequence change replaces arginine, which is basic and polar, with cysteine, which is neutral and slightly polar, at codon 726 of the MYBPC3 protein (p.Arg726Cys). This variant is present in population databases (rs752200396, gnomAD 0.02%). This missense change has been observed in individual(s) with clinical features of MYBPC3-related conditions (PMID: 19150014, 27930701, 32917565, 33919104, 35885957). ClinVar contains an entry for this variant (Variation ID: 575705). An algorithm developed to predict the effect of missense changes on protein structure and function (PolyPhen-2) suggests that this variant is likely to be disruptive. In summary, the available evidence is currently insufficient to determine the role of this variant in disease. Therefore, it has been classified as a Variant of Uncertain Significance.

Ambry Genetics
Classification: Uncertain significance for Cardiovascular phenotype. Last evaluated: 2025-11-03. Review status: criteria provided, single submitter. Criteria: Ambry Variant Classification Scheme 2023. Collection method: clinical testing. Allele origin: germline.
Comment: The c.2176C>T (p.R726C) alteration is located in exon 23 (coding exon 23) of the MYBPC3 gene. This alteration results from a C to T substitution at nucleotide position 2176, causing the arginine (R) at amino acid position 726 to be replaced by a cysteine (C). Based on data from gnomAD, the T allele has an overall frequency of 0.006% (16/278974) total alleles studied. The highest observed frequency was 0.026% (9/35236) of Latino alleles. Based on insufficient or conflicting evidence, the clinical significance of this alteration remains unclear.

All of Us Research Program, National Institutes of Health
Classification: Uncertain significance for Hypertrophic cardiomyopathy. Last evaluated: 2024-08-23. Review status: criteria provided, single submitter. Criteria: ACMG Guidelines, 2015. Collection method: clinical testing. Allele origin: germline. Inheritance: Autosomal dominant inheritance. Observed: 24 variant alleles, 24 heterozygotes.
Comment: This missense variant replaces arginine with cysteine at codon 726 of the MYBPC3 protein. Computational prediction is inconclusive regarding the impact of this variant on protein structure and function (internally defined REVEL score threshold 0.5 < inconclusive < 0.7, PMID: 27666373). To our knowledge, functional studies have not been reported for this variant. This variant has been reported in individuals affected with hypertrophic cardiomyopathy (PMID: 22765922, 27930701), in an individual affected with noncompaction cardiomyopathy (PMID: 35885957), in an individual affected with Tetralogy of Fallot and multiple congenital anomalies (PMID: 35885957), and in an individual affected with sudden cardiac death (PMID: 32917565, 33919104). It has also been reported in an asymptomatic individual (PMID: 19150014). This variant has been identified in 16/278974 chromosomes in the general population by the Genome Aggregation Database (gnomAD). The available evidence is insufficient to determine the role of this variant in disease conclusively. Therefore, this variant is classified as a Variant of Uncertain Significance.

This study involves interpretation of variants in research participants for the purpose of population health screening. Participant phenotype was not available at the time of variant classification. Additional details can be found in publication PMID: 35346344, PMCID: PMC8962531

Color Diagnostics, LLC DBA Color Health
Classification: Uncertain significance for Cardiomyopathy. Last evaluated: 2024-05-13. Review status: criteria provided, single submitter. Criteria: ACMG Guidelines, 2015. Collection method: clinical testing. Allele origin: germline.
Comment: This missense variant replaces arginine with cysteine at codon 726 of the MYBPC3 protein. Computational prediction tools indicate that this variant has a deleterious impact on protein structure and function. To our knowledge, functional studies have not been reported for this variant. This variant has been reported in two individuals affected with hypertrophic cardiomyopathy (PMID: 22765922, 27930701), in one individual affected with noncompaction cardiomyopathy (PMID: 35885957), in one individual affected with Tetralogy of Fallot and multiple congenital anomalies (PMID: 35885957), and in one individual affected with sudden cardiac death (PMID: 32917565, 33919104). It has also been reported in one asymptomatic individual (PMID: 19150014). This variant has been identified in 16/278974 chromosomes in the general population by the Genome Aggregation Database (gnomAD). The available evidence is insufficient to determine the role of this variant in disease conclusively. Therefore, this variant is classified as a Variant of Uncertain Significance.

Women's Health and Genetics/Laboratory Corporation of America, LabCorp
Classification: Uncertain significance. Last evaluated: 2023-07-14. Review status: criteria provided, single submitter. Criteria: LabCorp Variant Classification Summary - May 2015. Collection method: clinical testing. Allele origin: germline.
Comment: Variant summary: MYBPC3 c.2176C>T (p.Arg726Cys) results in a non-conservative amino acid change located in the immunoglobulin subtype 2 domain (IPR003598) of the encoded protein sequence. Five of five in-silico tools predict a damaging effect of the variant on protein function. The variant allele was found at a frequency of 6.1e-05 in 247584 control chromosomes. This frequency is not significantly higher than estimated for a pathogenic variant in MYBPC3 causing Cardiomyopathy (6.1e-05 vs 0.001), allowing no conclusion about variant significance. c.2176C>T has been reported in the literature in the heterozygous state in an individual affected with hypertrophic cardiomyopathy who was subsequently cited by others (Garcia-Castro_2009, Coto_2012, Gomez_2017), in two cases of sudden unexplained death, one of which was likely attributed to dilated cardiomyopathy (Sanchez_2016) and the other with no conclusive cardiac-related cause (Iglesias_2021), and in two unrelated individuals undergoing genetic testing for congenital abnormalities, one with noncompaction cardiomyopathy and one with multiple congenital abnormalities including Tetralogy of Fallot, both of whom inherited the variant from a presumably unaffected parent (Delea_2022). These reports do not provide unequivocal conclusions about association of the variant with Cardiomyopathy. To our knowledge, no experimental evidence demonstrating an impact on protein function has been reported. The following publications have been ascertained in the context of this evaluation (PMID: 22765922, 35885957, 19150014, 28356264, 33919104, 35629155, 27930701). Six submitters have cited clinical-significance assessments for this variant to ClinVar after 2014 and classified the variant as VUS (n=5) or likely pathogenic (n=1). Based on the evidence outlined above, the variant was classified as uncertain significance.

Centro Nacional de Genética Medica, Administración Nacional de Laboratorios e Institutos de Salud (ANLIS) “Dr. Carlos G Malbrán”
Classification: Likely pathogenic for Left ventricular noncompaction 10. Last evaluated: 2022-02-02. Review status: criteria provided, single submitter. Criteria: ACMG Guidelines, 2015. Collection method: clinical testing. Allele origin: maternal. Affected: yes.

Fulgent Genetics
Classification: Uncertain significance for Hypertrophic cardiomyopathy 4; Left ventricular noncompaction 10. Last evaluated: 2021-10-25. Review status: criteria provided, single submitter. Criteria: ACMG Guidelines, 2015. Collection method: clinical testing. Allele origin: unknown.

CHEO Genetics Diagnostic Laboratory, Children's Hospital of Eastern Ontario
Classification: Uncertain significance for Cardiomyopathy. Last evaluated: 2021-03-12. Review status: criteria provided, single submitter. Criteria: ACMG Guidelines, 2015. Collection method: clinical testing. Allele origin: germline.

Neuberg Centre For Genomic Medicine, NCGM
Classification: Uncertain significance for Hypertrophic cardiomyopathy 4. Review status: criteria provided, single submitter. Criteria: ACMG Guidelines, 2015. Collection method: clinical testing. Allele origin: germline. Inheritance: Autosomal recessive inheritance. Affected: yes.
Comment: The missense variant c.2176C>Tp.Arg726Cys in MYBPC3 gene has been reported in individuals affected with hypertrophic cardiomyopathy Sanchez et. al., 2016; Coto et. al., 2012, as well as in an asymptomatic individual García-Castro et. al., 2009. This variant has been reported in one case with sudden cardiac death Ripoll-Vera et. al., 2021. The p.Arg726Cys variant is novel not in any individuals in 1000 Genomes and has allele frequency of 0.006% in gnomAD exomes database. This variant has been reported to the ClinVar database as Likely Pathogenic / Uncertain Significance. The amino acid change p.Arg726Cys in MYBPC3 is predicted as conserved by GERP++ and PhyloP across 100 vertebrates. The amino acid Arg at position 726 is changed to a Cys changing protein sequence and it might alter its composition and physico-chemical properties. Functional studies will be required to confirm the pathogenicity of the variant. For these reasons, this variant has been classified as Uncertain Significance VUS.

Centro Nacional de Genética Medica, Administración Nacional de Laboratorios e Institutos de Salud (ANLIS) “Dr. Carlos G Malbrán”
Classification: Likely pathogenic. Last evaluated: 2022-02-02. Review status: flagged submission. Criteria: ACMG Guidelines, 2015. Collection method: clinical testing. Allele origin: maternal. Affected: yes. Not counted in ClinVar's aggregate classification.
ClinVar note: Reason: This record appears to be redundant with a more recent record from the same submitter.
ClinVar note: Notes: SCV002098089 appears to be redundant with SCV002098093.

Literature cited by the submitters: PubMed 19150014 (cited by 4 submitters); PubMed 27930701 (cited by 4 submitters); PubMed 32917565 (cited by 3 submitters); PubMed 33919104 (cited by 4 submitters); PubMed 35885957 (cited by 4 submitters); PubMed 22765922 (cited by 3 submitters); PubMed 28356264 (cited by Women's Health and Genetics/Laboratory Corporation of America, LabCorp); PubMed 35629155 (cited by Women's Health and Genetics/Laboratory Corporation of America, LabCorp).

NM_000256.3(MYBPC3):c.2176C>T (p.Arg726Cys)

Gene: MYBPC3 (myosin binding protein C3; minus strand). Cytogenetic location: 11p11.2.
Variant type: single nucleotide variant.
Coding change: c.2176C>T on transcript NM_000256.3 (MANE Select); coding-DNA position 2176, C replaced by T.
Protein change: p.Arg726Cys; replaces arginine 726 with cysteine.
Molecular consequence: missense variant.
Genome position (GRCh38, 1-based): chr11:47,338,652, G>A on the plus strand (C>T on the coding strand, the complement: MYBPC3 is on the minus strand). VCF-style: chr11-47338652-G-A. GRCh37 (hg19) VCF-style: chr11-47360203-G-A.
Other names: c.2176C>T, p.Arg726Cys (LRG_386t1); short protein forms R726C.
Identifiers: ClinVar variation 575705 (VCV000575705.34), dbSNP rs752200396, ClinGen allele CA078569.